The following is an entry in ClinVar:

ClinVar aggregate classification (germline): Uncertain significance. Review status: criteria provided, multiple submitters, no conflicts (2 of 4 stars). 2 submissions from 2 submitters: Uncertain significance (2). Last evaluated 2022-06-04.

Conditions:
Alstrom syndrome (ALMS). Identifiers: Orphanet 64, MedGen C0268425, MONDO:0008763, OMIM 203800.

Allele frequency attached by ClinVar (database versions not stated): TOPMed below 0.00001.

Submissions (2):

Labcorp Genetics (formerly Invitae), Labcorp
Classification: Uncertain significance for Alstrom syndrome. Last evaluated: 2022-06-04. Review status: criteria provided, single submitter. Criteria: Invitae Variant Classification Sherloc (09022015). Collection method: clinical testing. Allele origin: germline.
Comment: This sequence change replaces alanine, which is neutral and non-polar, with valine, which is neutral and non-polar, at codon 2420 of the ALMS1 protein (p.Ala2420Val). This variant is not present in population databases (gnomAD no frequency). This variant has not been reported in the literature in individuals affected with ALMS1-related conditions. ClinVar contains an entry for this variant (Variation ID: 1485154). Experimental studies and prediction algorithms are not available or were not evaluated, and the functional significance of this variant is currently unknown. In summary, the available evidence is currently insufficient to determine the role of this variant in disease. Therefore, it has been classified as a Variant of Uncertain Significance.

Fulgent Genetics
Classification: Uncertain significance for Alstrom syndrome. Last evaluated: 2022-01-06. Review status: criteria provided, single submitter. Criteria: ACMG Guidelines, 2015. Collection method: clinical testing. Allele origin: unknown.

NM_001378454.1(ALMS1):c.7256C>T (p.Ala2419Val)

Gene: ALMS1 (ALMS1 centrosome and basal body associated protein; plus strand). Cytogenetic location: 2p13.1.
Variant type: single nucleotide variant.
Coding change: c.7256C>T on transcript NM_001378454.1 (MANE Select); coding-DNA position 7256, C replaced by T.
Protein change: p.Ala2419Val; replaces alanine 2419 with valine.
Molecular consequence: missense variant.
Genome position (GRCh38, 1-based): chr2:73,453,783, C>T. VCF-style: chr2-73453783-C-T. GRCh37 (hg19) VCF-style: chr2-73680910-C-T.
Other names: c.7259C>T, p.Ala2420Val (NM_015120.4); short protein forms A2420V, A2419V.
Identifiers: ClinVar variation 1485154 (VCV001485154.4), dbSNP rs1672001133, ClinGen allele CA347291920.
Genomic context (GRCh38, chr2:73,453,783, plus strand): 5'-TTGGGAATAAAATTATTATCCCTATGATGACTGTCATAAAAAGTGATTCAAGTAGTGATG[C>T]CAGTGATGGAAATGGTTCCTGCTCGTGGGACAGTAATTTACCAGAGTCTTTGGAATCAGT-3'
Protein context (NP_001365383.1, residues 2409-2429): TVIKSDSSSD[Ala2419Val]SDGNGSCSWD